The following is an entry in ClinVar:

NM_004991.4(MECOM):c.1690T>G (p.Ser564Ala)

Gene: MECOM (MDS1 and EVI1 complex locus; minus strand). Cytogenetic location: 3q26.2.
Variant type: single nucleotide variant.
Coding change: c.1690T>G on transcript NM_004991.4 (MANE Select); coding-DNA position 1690, T replaced by G.
Protein change: p.Ser564Ala; replaces serine 564 with alanine.
Molecular consequence: missense variant. On other transcripts: intron variant (2).
Genome position (GRCh38, 1-based): chr3:169,116,182, A>C on the plus strand (T>G on the coding strand, the complement: MECOM is on the minus strand). VCF-style: chr3-169116182-A-C. GRCh37 (hg19) VCF-style: chr3-168833970-A-C.
Other names: c.1321T>G, p.Ser441Ala (NM_001105077.4); c.1126T>G, p.Ser376Ala (NM_001105078.4, NM_001164000.2, NM_001205194.2 and 4 more transcripts); c.1129T>G, p.Ser377Ala (NM_001163999.2, NM_001366467.2, NM_001366468.2 and 1 more transcripts); c.1690T>G, p.Ser564Ala (NM_001366466.2); c.1133-415T>G (NM_001366473.2); c.569-415T>G (NM_001366474.2); short protein forms S376A, S377A, S441A, S564A.
Identifiers: ClinVar variation 5024108 (VCV005024108.1).

ClinVar aggregate classification (germline): Uncertain significance (1 of 4 stars; one submission).

Conditions:
Inborn genetic diseases. Identifiers: MedGen C0950123, MeSH D030342.

Submission:

Ambry Genetics
Classification: Uncertain significance for Inborn genetic diseases. Last evaluated: 2026-06-16. Review status: criteria provided, single submitter. Criteria: Ambry Variant Classification Scheme 2023. Collection method: clinical testing. Allele origin: germline.
Comment: The p.S564A variant (also known as c.1690T>G), located in coding exon 8 of the MECOM gene, results from a T to G substitution at nucleotide position 1690. The serine at codon 564 is replaced by alanine, an amino acid with similar properties. This amino acid position is conserved. In addition, this alteration is predicted to be tolerated by in silico analysis. Based on the available evidence, the clinical significance of this variant remains unclear.